The following is an entry in ClinVar:

NM_004655.4(AXIN2):c.1265C>G (p.Pro422Arg)

Gene: AXIN2 (axin 2; minus strand). Cytogenetic location: 17q24.1.
Variant type: single nucleotide variant.
Coding change: c.1265C>G on transcript NM_004655.4 (MANE Select); coding-DNA position 1265, C replaced by G.
Protein change: p.Pro422Arg; replaces proline 422 with arginine.
Molecular consequence: missense variant.
Genome position (GRCh38, 1-based): chr17:65,537,771, G>C on the plus strand (C>G on the coding strand, the complement: AXIN2 is on the minus strand). VCF-style: chr17-65537771-G-C. GRCh37 (hg19) VCF-style: chr17-63533889-G-C.
Other names: c.1265C>G, p.Pro422Arg (NM_001363813.1); short protein forms P422R.
Identifiers: ClinVar variation 2447024 (VCV002447024.3), dbSNP rs2043960961, ClinGen allele CA400677849.

ClinVar aggregate classification (germline): Uncertain significance (1 of 4 stars; one submission).

Conditions:
Hereditary cancer-predisposing syndrome. Also called: Neoplastic Syndromes, Hereditary; Hereditary Cancer Syndrome; Tumor predisposition; Hereditary neoplastic syndrome. Identifiers: Orphanet 140162, MedGen C0027672, MeSH D009386, MONDO:0015356.

Allele frequency attached by ClinVar (database versions not stated): TOPMed below 0.00001.

Submission:

Ambry Genetics
Classification: Uncertain significance for Hereditary cancer-predisposing syndrome. Last evaluated: 2025-02-03. Review status: criteria provided, single submitter. Criteria: Ambry Variant Classification Scheme 2023. Collection method: clinical testing. Allele origin: germline.
Comment: The p.P422R variant (also known as c.1265C>G), located in coding exon 5 of the AXIN2 gene, results from a C to G substitution at nucleotide position 1265. The proline at codon 422 is replaced by arginine, an amino acid with dissimilar properties. This amino acid position is conserved. In addition, this alteration is predicted to be tolerated by in silico analysis. Since supporting evidence is limited at this time, the clinical significance of this alteration remains unclear.